The following is an entry in ClinVar:

ClinVar aggregate classification (germline): Pathogenic. Review status: criteria provided, single submitter (1 of 4 stars). 2 submissions from 2 submitters: Pathogenic (1). 1 of the submissions does not count toward it. Last evaluated 2025-08-10.

Conditions:
Hearing loss, autosomal recessive 106. Also called: DEAFNESS, AUTOSOMAL RECESSIVE 106. Identifiers: MedGen C4539954, MONDO:0033198, OMIM 617637.

Submissions (2):

Laboratory of Dr. Barbara Vona, University Medical Center Göttingen
Classification: Pathogenic for Hearing loss, autosomal recessive 106. Last evaluated: 2025-08-10. Review status: criteria provided, single submitter. Criteria: ClinGen HL ACMG Specifications v1. Collection method: research. Allele origin: germline. Affected: yes. Observed: 1 variant allele.
Comment: The variant fits with a known loss-of-function mechanism of disease. PVS1_VS, PM2_P, PM3_M

OMIM
Classification: Pathogenic for DEAFNESS, AUTOSOMAL RECESSIVE 106. Last evaluated: 2026-02-10. Review status: no assertion criteria provided. Collection method: literature only. Allele origin: germline. Not counted in ClinVar's aggregate classification.

Literature cited by the submitters: PubMed 41514136 (cited by OMIM).

NM_022772.4(EPS8L2):c.818_827dup (p.Ala279fs)

Gene: EPS8L2 (EPS8 signaling adaptor L2; plus strand). Cytogenetic location: 11p15.5.
Variant type: Duplication.
Coding change: c.818_827dup on transcript NM_022772.4 (MANE Select); coding-DNA positions 818 to 827, 10 bases duplicated (TGCAGAAGGC; older notation c.818_827dupTGCAGAAGGC).
Protein change: p.Ala279fs; shifts the reading frame from alanine 279.
Molecular consequence: frameshift variant.
Genome position (GRCh38, 1-based): chr11:721,614-721,623, TGCAGAAGGC duplicated; duplicating any 10 consecutive bases within chr11:721,611-721,623 gives the same sequence; the c. name uses the placement nearest the transcript's 3' end. VCF-style (leftmost placement, unchanged base first): chr11-721610-C-CGGCTGCAGAA. GRCh37 (hg19) VCF-style: chr11-721610-C-CGGCTGCAGAA.
Other names: c.818_827dup, p.Ala279fs (NM_001441192.1, NM_001441193.1); c.281_290dup, p.Ala100fs (NM_001441194.1); short protein forms A100fs, A279fs.
Identifiers: ClinVar variation 4077394 (VCV004077394.2).